The following is an entry in ClinVar:

NM_004304.5(ALK):c.1432T>A (p.Phe478Ile)

Gene: ALK (ALK receptor tyrosine kinase; minus strand). Cytogenetic location: 2p23.2.
Variant type: single nucleotide variant.
Coding change: c.1432T>A on transcript NM_004304.5 (MANE Select); coding-DNA position 1432, T replaced by A.
Protein change: p.Phe478Ile; replaces phenylalanine 478 with isoleucine.
Molecular consequence: missense variant.
Genome position (GRCh38, 1-based): chr2:29,320,865, A>T on the plus strand (T>A on the coding strand, the complement: ALK is on the minus strand). VCF-style: chr2-29320865-A-T. GRCh37 (hg19) VCF-style: chr2-29543731-A-T.
Other names: c.1432T>A (NM_004304.4); short protein forms F478I.
Identifiers: ClinVar variation 1041831 (VCV001041831.10), dbSNP rs1667016994, ClinGen allele CA346472691.

ClinVar aggregate classification (germline): Uncertain significance. Review status: criteria provided, multiple submitters, no conflicts (2 of 4 stars). 3 submissions from 3 submitters: Uncertain significance (3). Last evaluated 2026-03-12.

Conditions:
Neuroblastoma, susceptibility to, 3. Also called: ALK-Related Neuroblastic Tumor Susceptibility. Identifiers: Orphanet 635, MedGen C2751681, MONDO:0013083, OMIM 613014.
Hereditary cancer-predisposing syndrome. Also called: Hereditary Cancer Syndrome; Neoplastic Syndromes, Hereditary; Tumor predisposition; Hereditary neoplastic syndrome. Identifiers: Orphanet 140162, MedGen C0027672, MeSH D009386, MONDO:0015356.

Submissions (3):

Ambry Genetics
Classification: Uncertain significance for Hereditary cancer-predisposing syndrome. Last evaluated: 2026-03-12. Review status: criteria provided, single submitter. Criteria: Ambry Variant Classification Scheme 2023. Collection method: clinical testing. Allele origin: germline.
Comment: The p.F478I variant (also known as c.1432T>A), located in coding exon 7 of the ALK gene, results from a T to A substitution at nucleotide position 1432. The phenylalanine at codon 478 is replaced by isoleucine, an amino acid with highly similar properties. This amino acid position is highly conserved in available vertebrate species. In addition, this alteration is predicted to be tolerated by in silico analysis. Based on the available evidence, the clinical significance of this variant remains unclear.

Labcorp Genetics (formerly Invitae), Labcorp
Classification: Uncertain significance for Neuroblastoma, susceptibility to, 3. Last evaluated: 2024-12-31. Review status: criteria provided, single submitter. Criteria: Invitae Variant Classification Sherloc (09022015). Collection method: clinical testing. Allele origin: germline.
Comment: This sequence change replaces phenylalanine, which is neutral and non-polar, with isoleucine, which is neutral and non-polar, at codon 478 of the ALK protein (p.Phe478Ile). This variant is not present in population databases (gnomAD no frequency). This variant has not been reported in the literature in individuals affected with ALK-related conditions. ClinVar contains an entry for this variant (Variation ID: 1041831). An algorithm developed to predict the effect of missense changes on protein structure and function (PolyPhen-2) suggests that this variant is likely to be disruptive. In summary, the available evidence is currently insufficient to determine the role of this variant in disease. Therefore, it has been classified as a Variant of Uncertain Significance.

GeneDx
Classification: Uncertain significance. Last evaluated: 2023-03-29. Review status: criteria provided, single submitter. Criteria: GeneDx Variant Classification Process June 2021. Collection method: clinical testing. Allele origin: germline. Affected: yes.
Comment: Not observed at significant frequency in large population cohorts (gnomAD); In silico analysis supports that this missense variant does not alter protein structure/function; Has not been previously published as pathogenic or benign to our knowledge